The following is an entry in ClinVar:

ClinVar aggregate classification (germline): Uncertain significance (1 of 4 stars; one submission).

Allele frequency attached by ClinVar (database versions not stated): gnomAD exomes below 0.00001.
gnomAD v4.1: 1 of 1,613,904 alleles (0.000062%); highest among the groups gnomAD compares: East Asian, 0.0022%; no homozygotes.

Submission:

CeGaT Center for Human Genetics Tuebingen
Classification: Uncertain significance. Last evaluated: 2024-05-01. Review status: criteria provided, single submitter. Criteria: CeGaT Center For Human Genetics Tuebingen Variant Classification Criteria Version 2. Collection method: clinical testing. Allele origin: germline. Affected: yes. Observed: 1 variant allele.
Comment: CERT1: PM2

NM_001379029.1(CERT1):c.1570G>A (p.Glu524Lys)

Gene: CERT1 (ceramide transporter 1; minus strand). Cytogenetic location: 5q13.3.
Variant type: single nucleotide variant.
Coding change: c.1570G>A on transcript NM_001379029.1 (MANE Select); coding-DNA position 1570, G replaced by A.
Protein change: p.Glu524Lys; replaces glutamic acid 524 with lysine.
Molecular consequence: missense variant.
Genome position (GRCh38, 1-based): chr5:75,381,996, C>T on the plus strand (G>A on the coding strand, the complement: CERT1 is on the minus strand). VCF-style: chr5-75381996-C-T. GRCh37 (hg19) VCF-style: chr5-74677821-C-T.
Other names: c.1954G>A, p.Glu652Lys (NM_001130105.1); c.1570G>A, p.Glu524Lys (NM_001379002.1, NM_005713.3); c.1492G>A, p.Glu498Lys (NM_001379003.1, NM_001379004.1, NM_031361.3); short protein forms E498K, E524K, E652K.
Identifiers: ClinVar variation 3239473 (VCV003239473.19), dbSNP rs2478893088.